The following is an entry in ClinVar:

NC_000012.11:g.(122292699_122294229)_(122294532_122295233)del

Gene: HPD (4-hydroxyphenylpyruvate dioxygenase; minus strand). Cytogenetic location: 12q24.31.
Variant type: Deletion.
Identifiers: ClinVar variation 3366401 (VCV003366401.1).

ClinVar aggregate classification (germline): Uncertain significance (1 of 4 stars; one submission).

Submission:

Women's Health and Genetics/Laboratory Corporation of America, LabCorp
Classification: Uncertain significance. Last evaluated: 2024-08-08. Review status: criteria provided, single submitter. Criteria: LabCorp Variant Classification Summary - May 2015. Collection method: clinical testing. Allele origin: germline.
Comment: Variant summary: The variant involves the deletion of exons 5-6 in the HPD gene. A presumed nomenclature of c.(198+1_199-1)_(324+1_325-1)del has been designated for the purposes of this classification. This Copy Number Variant (CNV) is predicted to result in an in-frame deletion within this gene. The variant was absent in 19744 control chromosomes. The available data on variant occurrences in the general population are insufficient to allow any conclusion about variant significance. To our knowledge, no occurrence of c.(198+1_199-1)_(324+1_325-1)del in individuals affected with Tyrosinemia Type 3 and no experimental evidence demonstrating its impact on protein function have been reported. No submitters have cited clinical-significance assessments for this variant to ClinVar. Based on the evidence outlined above, the variant was classified as uncertain significance.